The following is an entry in ClinVar:

ClinVar aggregate classification (germline): Pathogenic. Review status: reviewed by expert panel (3 of 4 stars). 7 submissions from 7 submitters: Pathogenic (1). 6 of the submissions do not count toward it. Last evaluated 2026-07-28.

Conditions:
ABCA4-related retinopathy. Also called: ABCA4-related retinoapthy; ABCA4 retinoapthy. Identifiers: MedGen CN322612, MONDO:0800406.
Inborn genetic diseases. Identifiers: MedGen C0950123, MeSH D030342.
ABCA4-related disorder. Also called: ABCA4-related condition; ABCA4-related disorders. Identifiers: MedGen CN239167.

Submissions (7):

ClinGen ABCA4 Variant Curation Expert Panel, Clingen
Classification: Pathogenic for ABCA4-related retinopathy. Last evaluated: 2026-07-28. Review status: reviewed by expert panel. Criteria: ClinGen ABCA4 ACMG Specifications V1.0.0. Collection method: curation. Allele origin: germline. Inheritance: Autosomal recessive inheritance.
Comment: The NM_000350.3(ABCA4):c.6166A>T, p.Lys2056Ter variant in ABCA4 is a nonsense variant predicted to cause a premature stop codon in biologically relevant exon 45 of 50 leading to nonsense mediated decay in a gene in which loss-of-function is an established disease mechanism (PVS1). This variant is absent from gnomAD v4.1.1 (PM2_Supporting). The prevalence of the variant in affected individuals is significantly increased compared with the prevalence in controls with an OR of infinity and CI of 10.92 to Infinity, which is above the ABCA4 VCEP threshold of ≥5, where the CI does not contain 1 (PS4; PMID: 35120629). In summary, this variant meets the criteria to be classified as pathogenic for ABCA4-related retinopathy based on the ACMG/AMP criteria applied, as specified by the ClinGen ABCA4 VCEP (Specification Version 1): PVS1, PS4, PM2_Supporting.

Labcorp Genetics (formerly Invitae), Labcorp
Classification: Pathogenic. Last evaluated: 2025-10-20. Review status: criteria provided, single submitter. Criteria: Invitae Variant Classification Sherloc (09022015). Collection method: clinical testing. Allele origin: germline. Not counted in ClinVar's aggregate classification.
Comment: This sequence change creates a premature translational stop signal (p.Lys2056*) in the ABCA4 gene. It is expected to result in an absent or disrupted protein product. Loss-of-function variants in ABCA4 are known to be pathogenic (PMID: 10958761, 24938718, 25312043, 26780318). This variant is not present in population databases (gnomAD no frequency). This premature translational stop signal has been observed in individual(s) with Stargardt disease (PMID: 9973280, 28559085). ClinVar contains an entry for this variant (Variation ID: 99432). For these reasons, this variant has been classified as Pathogenic.

PreventionGenetics, part of Exact Sciences
Classification: Pathogenic for ABCA4-related condition. Last evaluated: 2025-04-10. Review status: criteria provided, single submitter. Criteria: ACMG Guidelines, 2015. Collection method: clinical testing. Allele origin: germline. Not counted in ClinVar's aggregate classification.
Comment: The ABCA4 c.6166A>T variant is predicted to result in premature protein termination (p.Lys2056*). This variant was reported in individuals with retinal disease (see, for example, Lewis et al. 1999. PubMed ID: 9973280; supplementary data, Stone et al. 2017. PubMed ID: 28559085; Collison et al. 2019. PubMed ID: 30204727; Cornelis et al. 2022. PubMed ID: 35120629). This variant has not been reported in a large population database (gnomAD), indicating this variant is rare. Nonsense variants in ABCA4 are expected to be pathogenic. This variant is interpreted as pathogenic.

Blueprint Genetics
Classification: Pathogenic for ABCA4-related disorders. Last evaluated: 2019-06-25. Review status: criteria provided, single submitter. Criteria: ACMG Guidelines, 2015. Collection method: clinical testing. Allele origin: germline. Affected: yes. Observed: 3 variant alleles. Not counted in ClinVar's aggregate classification.

Ambry Genetics
Classification: Pathogenic for Inborn genetic diseases. Last evaluated: 2018-06-07. Review status: criteria provided, single submitter. Criteria: Ambry exome assertion method (8-5-2015). Collection method: clinical testing. Allele origin: germline. Affected: yes. Observed: 1 variant allele. Not counted in ClinVar's aggregate classification.

Eurofins Ntd Llc (ga)
Classification: Pathogenic. Last evaluated: 2017-10-30. Review status: criteria provided, single submitter. Criteria: EGL Classification Definitions 2015. Collection method: clinical testing. Allele origin: germline. Observed: 1 variant allele, 1 heterozygote. Not counted in ClinVar's aggregate classification.

Retina International
No classification provided. Review status: no classification provided. Collection method: not provided. Allele origin: not provided. Not counted in ClinVar's aggregate classification.

Literature cited by the submitters: PubMed 10958761 (cited by Labcorp Genetics (formerly Invitae), Labcorp); PubMed 24938718 (cited by Labcorp Genetics (formerly Invitae), Labcorp); PubMed 25312043 (cited by Labcorp Genetics (formerly Invitae), Labcorp); PubMed 26780318 (cited by Labcorp Genetics (formerly Invitae), Labcorp); PubMed 9973280 (cited by 3 submitters); PubMed 28559085 (cited by Labcorp Genetics (formerly Invitae), Labcorp).

NM_000350.3(ABCA4):c.6166A>T (p.Lys2056Ter)

Gene: ABCA4 (ATP binding cassette subfamily A member 4; minus strand). Cytogenetic location: 1p22.1.
Variant type: single nucleotide variant.
Coding change: c.6166A>T on transcript NM_000350.3 (MANE Select); coding-DNA position 6166, A replaced by T.
Protein change: p.Lys2056Ter; replaces lysine 2056 with a stop codon.
Molecular consequence: nonsense.
Genome position (GRCh38, 1-based): chr1:94,001,974, T>A on the plus strand (A>T on the coding strand, the complement: ABCA4 is on the minus strand). VCF-style: chr1-94001974-T-A. GRCh37 (hg19) VCF-style: chr1-94467530-T-A.
Other names: NM_000350.3:c.6166A>T; c.5944A>T, p.Lys1982Ter (NM_001425324.1); short protein forms K2056*, K1982*.
Identifiers: ClinVar variation 99432 (VCV000099432.16), dbSNP rs61750644, ClinGen allele CA227371.